The following is an entry in ClinVar:

NM_002317.7(LOX):c.1232G>A (p.Gly411Asp)

Genes: LOX (lysyl oxidase; minus strand), SRFBP1 (serum response factor binding protein 1; plus strand). Cytogenetic location: 5q23.1.
Variant type: single nucleotide variant.
Coding change: c.1232G>A on transcript NM_002317.7 (MANE Select); coding-DNA position 1232, G replaced by A.
Protein change: p.Gly411Asp; replaces glycine 411 with aspartic acid.
Molecular consequence: missense variant.
Genome position (GRCh38, 1-based): chr5:122,070,068, C>T on the plus strand (G>A on the coding strand, the complement: LOX is on the minus strand). VCF-style: chr5-122070068-C-T. GRCh37 (hg19) VCF-style: chr5-121405763-C-T.
Other names: c.542G>A, p.Gly181Asp (NM_001178102.2); c.341G>A, p.Gly114Asp (NM_001317073.1); short protein forms G114D, G181D, G411D.
Identifiers: ClinVar variation 1215724 (VCV001215724.6), dbSNP rs186028768, ClinGen allele CA3383812.

ClinVar aggregate classification (germline): Uncertain significance. Review status: criteria provided, multiple submitters, no conflicts (2 of 4 stars). 4 submissions from 4 submitters: Uncertain significance (4). Last evaluated 2025-09-13.

Conditions:
Aortic aneurysm, familial thoracic 10 (AAT10). Identifiers: MedGen C4284414, MONDO:0014950, OMIM 617168.

Allele frequency attached by ClinVar (database versions not stated): gnomAD 0.00001; 1000 Genomes Project 0.00020; 1000 Genomes Project 30x 0.00031.
gnomAD v4.1: 36 of 1,611,030 alleles (0.0022%); highest among the groups gnomAD compares: Non-Finnish European, 0.0031%; no homozygotes.

Submissions (4):

Labcorp Genetics (formerly Invitae), Labcorp
Classification: Uncertain significance. Last evaluated: 2025-09-13. Review status: criteria provided, single submitter. Criteria: Invitae Variant Classification Sherloc (09022015). Collection method: clinical testing. Allele origin: germline.
Comment: This sequence change replaces glycine, which is neutral and non-polar, with aspartic acid, which is acidic and polar, at codon 411 of the LOX protein (p.Gly411Asp). This variant is present in population databases (rs186028768, gnomAD 0.0009%). This variant has not been reported in the literature in individuals affected with LOX-related conditions. ClinVar contains an entry for this variant (Variation ID: 1215724). Invitae Evidence Modeling of protein sequence and biophysical properties (such as structural, functional, and spatial information, amino acid conservation, physicochemical variation, residue mobility, and thermodynamic stability) has been performed for this missense variant. However, the output from this modeling did not meet the statistical confidence thresholds required to predict the impact of this variant on LOX protein function. In summary, the available evidence is currently insufficient to determine the role of this variant in disease. Therefore, it has been classified as a Variant of Uncertain Significance.

Blueprint Genetics
Classification: Uncertain significance. Last evaluated: 2024-07-31. Review status: criteria provided, single submitter. Criteria: ACMG Guidelines, 2015. Collection method: clinical testing. Allele origin: germline.

ARUP Laboratories, Molecular Genetics and Genomics, ARUP Laboratories
Classification: Uncertain significance for Aortic aneurysm, familial thoracic 10. Last evaluated: 2023-03-29. Review status: criteria provided, single submitter. Criteria: ARUP Molecular Germline Variant Investigation Process 2024. Collection method: clinical testing. Allele origin: germline.
Comment: The LOX c.1232G>A; p.Gly411Asp variant (rs186028768), to our knowledge, is not reported in the medical literature but is reported in ClinVar (Variation ID: 1215724). This variant is absent from the Genome Aggregation Database, indicating it is not a common polymorphism. Computational analyses are uncertain whether this variant is neutral or deleterious (REVEL: 0.178). Due to limited information, the clinical significance of this variant is uncertain at this time.

GeneDx
Classification: Uncertain significance. Last evaluated: 2020-06-10. Review status: criteria provided, single submitter. Criteria: GeneDx Variant Classification Process June 2021. Collection method: clinical testing. Allele origin: germline. Affected: yes.
Comment: Has not been previously published as pathogenic or benign to our knowledge; Not observed in large population cohorts (Lek et al., 2016); In silico analysis supports that this missense variant does not alter protein structure/function